The following is an entry in ClinVar:

NM_003200.5(TCF3):c.406G>A (p.Gly136Arg)

Gene: TCF3 (transcription factor 3; minus strand). Cytogenetic location: 19p13.3.
Variant type: single nucleotide variant.
Coding change: c.406G>A on transcript NM_003200.5 (MANE Select); coding-DNA position 406, G replaced by A.
Protein change: p.Gly136Arg; replaces glycine 136 with arginine.
Molecular consequence: missense variant.
Genome position (GRCh38, 1-based): chr19:1,625,669, C>T on the plus strand (G>A on the coding strand, the complement: TCF3 is on the minus strand). VCF-style: chr19-1625669-C-T. GRCh37 (hg19) VCF-style: chr19-1625668-C-T.
Other names: c.406G>A, p.Gly136Arg (NM_001136139.4, NM_001351778.2, NM_001351779.2); short protein forms G136R.
Identifiers: ClinVar variation 1436219 (VCV001436219.6), dbSNP rs1374875669, ClinGen allele CA16040545.

ClinVar aggregate classification (germline): Uncertain significance (1 of 4 stars; one submission).

Allele frequency attached by ClinVar (database versions not stated): gnomAD 0.00001; gnomAD exomes 0.00001; TOPMed 0.00002.
gnomAD v4.1: 16 of 1,528,524 alleles (0.001%); highest among the groups gnomAD compares: Admixed American, 0.014%; no homozygotes.

Submission:

Labcorp Genetics (formerly Invitae), Labcorp
Classification: Uncertain significance. Last evaluated: 2026-01-01. Review status: criteria provided, single submitter. Criteria: Invitae Variant Classification Sherloc (09022015). Collection method: clinical testing. Allele origin: germline.
Comment: This sequence change replaces glycine, which is neutral and non-polar, with arginine, which is basic and polar, at codon 136 of the TCF3 protein (p.Gly136Arg). The frequency data for this variant in the population databases is considered unreliable, as metrics indicate poor data quality at this position in the gnomAD database. This variant has not been reported in the literature in individuals affected with TCF3-related conditions. ClinVar contains an entry for this variant (Variation ID: 1436219). Invitae Evidence Modeling of protein sequence and biophysical properties (such as structural, functional, and spatial information, amino acid conservation, physicochemical variation, residue mobility, and thermodynamic stability) indicates that this missense variant is not expected to disrupt TCF3 protein function with a negative predictive value of 80%. In summary, the available evidence is currently insufficient to determine the role of this variant in disease. Therefore, it has been classified as a Variant of Uncertain Significance.